The following is an entry in ClinVar:

NM_017780.4(CHD7):c.2787C>T (p.Ile929=)

Gene: CHD7 (chromodomain helicase DNA binding protein 7; plus strand). Cytogenetic location: 8q12.2.
Variant type: single nucleotide variant.
Coding change: c.2787C>T on transcript NM_017780.4 (MANE Select); coding-DNA position 2787, C replaced by T.
Protein change: p.Ile929=; no amino-acid change (isoleucine 929 retained).
Molecular consequence: synonymous variant. On other transcripts: intron variant (1).
Genome position (GRCh38, 1-based): chr8:60,821,879, C>T. VCF-style: chr8-60821879-C-T. GRCh37 (hg19) VCF-style: chr8-61734438-C-T.
Other names: c.1717-40350C>T (NM_001316690.1).
Identifiers: ClinVar variation 363455 (VCV000363455.29), dbSNP rs771367272, ClinGen allele CA4759813.

ClinVar aggregate classification (germline): Likely benign. Review status: criteria provided, multiple submitters, no conflicts (2 of 4 stars). 5 submissions from 5 submitters: Likely benign (5). Last evaluated 2025-06-20.

Conditions:
CHARGE syndrome (CHARGE). Also called: CHARGE ASSOCIATION--COLOBOMA, HEART ANOMALY, CHOANAL ATRESIA, RETARDATION, GENITAL AND EAR ANOMALIES; Coloboma, heart anomaly, choanal atresia, retardation, genital and ear anomalies; CHARGE association; Hall-Hittner syndrome; Hittner Hirsch Kreh syndrome. Identifiers: Orphanet 138, MedGen C0265354, MONDO:0008965.
Inborn genetic diseases. Identifiers: MedGen C0950123, MeSH D030342.
Hypogonadotropic hypogonadism 5 with or without anosmia (KAL5). Also called: HYPOGONADOTROPIC HYPOGONADISM 5 WITH ANOSMIA; HYPOGONADOTROPHIC HYPOGONADISM 5 WITHOUT ANOSMIA; CHD7-Related GnRH Deficiency (Kallmann Syndrome 5). Identifiers: Orphanet 478, MedGen C3552553, MONDO:0012880, OMIM 612370. Disease mechanism: loss of function.

Allele frequency attached by ClinVar (database versions not stated): TOPMed 0.00004; 1000 Genomes Project 30x 0.00031.
gnomAD v4.1: 40 of 1,609,812 alleles (0.0025%); highest among the groups gnomAD compares: South Asian, 0.021%; no homozygotes.

Submissions (5):

Labcorp Genetics (formerly Invitae), Labcorp
Classification: Likely benign for CHARGE syndrome. Last evaluated: 2025-06-20. Review status: criteria provided, single submitter. Criteria: Invitae Variant Classification Sherloc (09022015). Collection method: clinical testing. Allele origin: germline.

CeGaT Center for Human Genetics Tuebingen
Classification: Likely benign. Last evaluated: 2025-01-01. Review status: criteria provided, single submitter. Criteria: CeGaT Center For Human Genetics Tuebingen Variant Classification Criteria Version 2. Collection method: clinical testing. Allele origin: germline. Affected: yes. Observed: 1 variant allele.
Comment: CHD7: BP4, BP7

Fulgent Genetics
Classification: Likely benign for CHD7-related CHARGE syndrome; Hypogonadotropic hypogonadism 5 with or without anosmia. Last evaluated: 2022-03-01. Review status: criteria provided, single submitter. Criteria: ACMG Guidelines, 2015. Collection method: clinical testing. Allele origin: unknown.

Illumina Laboratory Services, Illumina
Classification: Likely benign for Kallmann Syndrome 5. Last evaluated: 2018-01-13. Review status: criteria provided, single submitter. Criteria: ICSL Variant Classification Criteria 13 December 2019. Collection method: clinical testing. Allele origin: germline.
Comment: This variant was observed in the ICSL laboratory as part of a predisposition screen in an ostensibly healthy population. It had not been previously curated by ICSL or reported in the Human Gene Mutation Database (HGMD: prior to June 1st, 2018), and was therefore a candidate for classification through an automated scoring system. Utilizing variant allele frequency, disease prevalence and penetrance estimates, and inheritance mode, an automated score was calculated to assess if this variant is too frequent to cause the disease. Based on the score and internal cut-off values, a variant classified as likely benign is not then subjected to further curation. The score for this variant resulted in a classification of likely benign for this disease.

Ambry Genetics
Classification: Likely benign for Inborn genetic diseases. Last evaluated: 2017-09-06. Review status: criteria provided, single submitter. Criteria: Ambry Variant Classification Scheme 2023. Collection method: clinical testing. Allele origin: germline.